The following is an entry in ClinVar:

NM_000303.3(PMM2):c.574T>C (p.Cys192Arg)

Gene: PMM2 (phosphomannomutase 2; plus strand). Cytogenetic location: 16p13.2.
Variant type: single nucleotide variant.
Coding change: c.574T>C on transcript NM_000303.3 (MANE Select); coding-DNA position 574, T replaced by C.
Protein change: p.Cys192Arg; replaces cysteine 192 with arginine.
Molecular consequence: missense variant.
Genome position (GRCh38, 1-based): chr16:8,813,041, T>C. VCF-style: chr16-8813041-T-C. GRCh37 (hg19) VCF-style: chr16-8906898-T-C.
Other names: short protein forms C192R.
Identifiers: ClinVar variation 2876692 (VCV002876692.5), dbSNP rs1392999374, ClinGen allele CA394697869.
Genomic context (GRCh38, chr16:8,813,041, plus strand): 5'-CACCCGGCAGGAGGCCAGATCAGCTTTGATGTCTTTCCTGATGGATGGGACAAGAGATAC[T>C]GTCTGCGACATGTGGAAAATGACGGTTATAAGACCATTTATTTCTTTGGAGACAAAACTA-3'
Protein context (NP_000294.1, residues 182-202): VFPDGWDKRY[Cys192Arg]LRHVENDGYK

ClinVar aggregate classification (germline): Conflicting classifications of pathogenicity. Review status: criteria provided, conflicting classifications (1 of 4 stars). 2 submissions from 2 submitters: Likely pathogenic (1); Uncertain significance (1). Last evaluated 2025-07-31.

Conditions:
PMM2-congenital disorder of glycosylation. Also called: PMM2-CDG; CDG Ia; JAEKEN SYNDROME; PHOSPHOMANNOMUTASE 2 DEFICIENCY; CARBOHYDRATE-DEFICIENT GLYCOPROTEIN SYNDROME, TYPE Ia; Congenital disorder of glycosylation, type Ia. Identifiers: Orphanet 79318, MedGen C0349653, MONDO:0008907, OMIM 212065.

gnomAD v4.1: 3 of 1,613,902 alleles (0.00019%); highest among the groups gnomAD compares: South Asian, 0.0022%; no homozygotes.

Submissions (2):

Women's Health and Genetics/Laboratory Corporation of America, LabCorp
Classification: Uncertain significance. Last evaluated: 2025-07-31. Review status: criteria provided, single submitter. Criteria: LabCorp Variant Classification Summary - May 2015. Collection method: clinical testing. Allele origin: germline.
Comment: Variant summary: PMM2 c.574T>C (p.Cys192Arg) results in a non-conservative amino acid change in the encoded protein sequence. Algorithms developed to predict the effect of missense changes on protein structure and function all suggest that this variant is likely to be disruptive. The variant was absent in 251488 control chromosomes. The available data on variant occurrences in the general population are insufficient to allow any conclusion about variant significance. c.574T>C has been observed in individual(s) affected with Congenital Disorder Of Glycosylation (example: Raynor_2024). These data do not allow any conclusion about variant significance. To our knowledge, no experimental evidence demonstrating an impact on protein function has been reported. The following publications have been ascertained in the context of this evaluation (PMID: 33057194, 31785789, 37876147). ClinVar contains an entry for this variant (Variation ID: 2876692). Based on the evidence outlined above, the variant was classified as uncertain significance.

Labcorp Genetics (formerly Invitae), Labcorp
Classification: Likely pathogenic for PMM2-congenital disorder of glycosylation. Last evaluated: 2023-07-19. Review status: criteria provided, single submitter. Criteria: Invitae Variant Classification Sherloc (09022015). Collection method: clinical testing. Allele origin: germline.
Comment: In summary, the currently available evidence indicates that the variant is pathogenic, but additional data are needed to prove that conclusively. Therefore, this variant has been classified as Likely Pathogenic. This variant disrupts the p.Cys192 amino acid residue in PMM2. Other variant(s) that disrupt this residue have been determined to be pathogenic (PMID: 10602363). This suggests that this residue is clinically significant, and that variants that disrupt this residue are likely to be disease-causing. Advanced modeling of protein sequence and biophysical properties (such as structural, functional, and spatial information, amino acid conservation, physicochemical variation, residue mobility, and thermodynamic stability) performed at Invitae indicates that this missense variant is expected to disrupt PMM2 protein function. This variant has not been reported in the literature in individuals affected with PMM2-related conditions. This variant is not present in population databases (gnomAD no frequency). This sequence change replaces cysteine, which is neutral and slightly polar, with arginine, which is basic and polar, at codon 192 of the PMM2 protein (p.Cys192Arg).

Literature cited by the submitters: PubMed 31785789 (cited by Women's Health and Genetics/Laboratory Corporation of America, LabCorp); PubMed 33057194 (cited by Women's Health and Genetics/Laboratory Corporation of America, LabCorp); PubMed 37876147 (cited by Women's Health and Genetics/Laboratory Corporation of America, LabCorp); PubMed 10602363 (cited by Labcorp Genetics (formerly Invitae), Labcorp).